The following is an entry in ClinVar:

NM_000153.4(GALC):c.1273del (p.Val425fs)

Gene: GALC (galactosylceramidase; minus strand). Cytogenetic location: 14q31.3.
Variant type: Deletion.
Coding change: c.1273del on transcript NM_000153.4 (MANE Select); coding-DNA position 1273, one base deleted (G; older notation c.1273delG).
Protein change: p.Val425fs; shifts the reading frame from valine 425.
Molecular consequence: frameshift variant.
Genome position (GRCh38, 1-based): chr14:87,949,910, C deleted on the plus strand (G on the coding strand, the reverse complement: GALC is on the minus strand); the first of 2 consecutive C bases (chr14:87,949,910-87,949,911); deleting either gives the same sequence. VCF-style (leftmost placement, unchanged base first): chr14-87949909-AC-A. GRCh37 (hg19) VCF-style: chr14-88416253-AC-A.
Other names: c.1204del, p.Val402fs (NM_001201401.2); c.1195del, p.Val399fs (NM_001201402.2); short protein forms V425fs, V399fs, V402fs.
Identifiers: ClinVar variation 370314 (VCV000370314.7), dbSNP rs1057516394, ClinGen allele CA16041695.
Genomic context (GRCh38, chr14:87,949,909, plus strand): 5'-AGAGAATCCAGCTGCTTAAAAAGAAATCTTTCGGATGTTTTTCCAAGTTTGGTATACCAT[AC>A]CTGTAGCTCTGGTATTTCACTCTGTAAAGAAAAGACAAAAAAGCATGGCTGAGTAATTCA-3'

ClinVar aggregate classification (germline): Pathogenic/Likely pathogenic. Review status: criteria provided, multiple submitters, no conflicts (2 of 4 stars). 3 submissions from 3 submitters: Pathogenic (1); Likely pathogenic (1). 1 of the submissions does not count toward it. Last evaluated 2025-06-23.

Conditions:
Galactosylceramide beta-galactosidase deficiency. Also called: Leukodystrophy, Globoid Cell; Krabbe Disease; GALACTOCEREBROSIDASE DEFICIENCY; GALC DEFICIENCY; GLOBOID CELL LEUKOENCEPHALOPATHY. Identifiers: Orphanet 487, MedGen C0023521, MONDO:0009499, OMIM 245200.

Submissions (3):

Natera, Inc.
Classification: Likely pathogenic for Galactosylceramide beta-galactosidase deficiency. Last evaluated: 2025-06-23. Review status: criteria provided, single submitter. Criteria: Natera Variant Classification Schema (03/2026). Collection method: clinical testing. Allele origin: germline.
Comment: The c.1273delG variant in GALC is a frameshift variant predicted to shift the reading frame beginning at codon 425 and leads to a stop codon 32 codons downstream. This variant is expected to result in nonsense mediated decay, truncation, or a dysfunctional protein product. This variant is rare in the general population with a frequency below the threshold expected for the associated phenotype(s). Given the available evidence, this variant is classified as Likely Pathogenic.

Labcorp Genetics (formerly Invitae), Labcorp
Classification: Pathogenic for Galactosylceramide beta-galactosidase deficiency. Last evaluated: 2023-09-22. Review status: criteria provided, single submitter. Criteria: Invitae Variant Classification Sherloc (09022015). Collection method: clinical testing. Allele origin: germline.
Comment: Algorithms developed to predict the effect of sequence changes on RNA splicing suggest that this variant may disrupt the consensus splice site. For these reasons, this variant has been classified as Pathogenic. ClinVar contains an entry for this variant (Variation ID: 370314). This variant has not been reported in the literature in individuals affected with GALC-related conditions. This variant is not present in population databases (gnomAD no frequency). This sequence change creates a premature translational stop signal (p.Val425Tyrfs*32) in the GALC gene. It is expected to result in an absent or disrupted protein product. Loss-of-function variants in GALC are known to be pathogenic (PMID: 7437911, 9272171, 16607461).

Counsyl
Classification: Likely pathogenic for Galactosylceramide beta-galactosidase deficiency. Last evaluated: 2016-01-08. Review status: no assertion criteria provided. Collection method: clinical testing. Allele origin: unknown. Not counted in ClinVar's aggregate classification.

Literature cited by the submitters: PubMed 7437911 (cited by Labcorp Genetics (formerly Invitae), Labcorp); PubMed 9272171 (cited by Labcorp Genetics (formerly Invitae), Labcorp); PubMed 16607461 (cited by Labcorp Genetics (formerly Invitae), Labcorp).